The following is an entry in ClinVar:

NM_001367624.2(ZNF469):c.7748T>C (p.Val2583Ala)

Gene: ZNF469 (zinc finger protein 469; plus strand). Cytogenetic location: 16q24.2.
Variant type: single nucleotide variant.
Coding change: c.7748T>C on transcript NM_001367624.2 (MANE Select); coding-DNA position 7748, T replaced by C.
Protein change: p.Val2583Ala; replaces valine 2583 with alanine.
Molecular consequence: missense variant.
Genome position (GRCh38, 1-based): chr16:88,435,218, T>C. VCF-style: chr16-88435218-T-C. GRCh37 (hg19) VCF-style: chr16-88501626-T-C.
Other names: NM_001127464.1:c.7664T>C; short protein forms V2583A.
Identifiers: ClinVar variation 5032267 (VCV005032267.1).
Genomic context (GRCh38, chr16:88,435,218, plus strand): 5'-GAGCACCGGGGTCCCCACACAGCCAGCAGCTGCACCCTCCAAGCCCTACTGAGCATGAGG[T>C]AGATGTGAAGACTCCGGCCTCCAAGCCCAGACCAGACCAGGCCAGGGAAGATGAGCTGCA-3'
Protein context (NP_001354553.1, residues 2573-2593): LHPPSPTEHE[Val2583Ala]DVKTPASKPR

ClinVar aggregate classification (germline): Uncertain significance (1 of 4 stars; one submission).

Conditions:
Cardiovascular phenotype. Identifiers: MedGen CN230736.

Submission:

Ambry Genetics
Classification: Uncertain significance for Cardiovascular phenotype. Last evaluated: 2026-08-29. Review status: criteria provided, single submitter. Criteria: Ambry Variant Classification Scheme 2023. Collection method: clinical testing. Allele origin: germline.
Comment: The p.V2555A variant (also known as c.7664T>C), located in coding exon 2 of the ZNF469 gene, results from a T to C substitution at nucleotide position 7664. The valine at codon 2555 is replaced by alanine, an amino acid with similar properties. This amino acid position is conserved. In addition, this alteration is predicted to be tolerated by in silico analysis. Based on the available evidence, the clinical significance of this variant remains unclear.